The following is an entry in ClinVar:

NM_020975.6(RET):c.3264A>G (p.Pro1088=)

Gene: RET (ret proto-oncogene; plus strand). Cytogenetic location: 10q11.21.
Variant type: single nucleotide variant.
Coding change: c.3264A>G on transcript NM_020975.6 (MANE Select); coding-DNA position 3264, A replaced by G.
Protein change: p.Pro1088=; no amino-acid change (proline 1088 retained).
Molecular consequence: synonymous variant.
Genome position (GRCh38, 1-based): chr10:43,128,188, A>G. VCF-style: chr10-43128188-A-G. GRCh37 (hg19) VCF-style: chr10-43623636-A-G.
Other names: c.3264A>G (LRG_518t1).
Identifiers: ClinVar variation 486333 (VCV000486333.13), dbSNP rs1554820314, ClinGen allele CA469033691.

ClinVar aggregate classification (germline): Likely benign. Review status: criteria provided, multiple submitters, no conflicts (2 of 4 stars). 2 submissions from 2 submitters: Likely benign (2). Last evaluated 2025-08-01.

Conditions:
Hereditary cancer-predisposing syndrome. Also called: Hereditary neoplastic syndrome; Neoplastic Syndromes, Hereditary; Hereditary Cancer Syndrome; Tumor predisposition. Identifiers: Orphanet 140162, MedGen C0027672, MeSH D009386, MONDO:0015356.

Allele frequency attached by ClinVar (database versions not stated): gnomAD exomes below 0.00001.
gnomAD v4.1: 1 of 1,614,236 alleles (0.000062%); highest among the groups gnomAD compares: Non-Finnish European, 0.000085%; no homozygotes.

Submissions (2):

CeGaT Center for Human Genetics Tuebingen
Classification: Likely benign. Last evaluated: 2025-08-01. Review status: criteria provided, single submitter. Criteria: CeGaT Center For Human Genetics Tuebingen Variant Classification Criteria Version 2. Collection method: clinical testing. Allele origin: germline. Affected: yes. Observed: 1 variant allele.
Comment: RET: BP4, BP7

Ambry Genetics
Classification: Likely benign for Hereditary cancer-predisposing syndrome. Last evaluated: 2016-03-04. Review status: criteria provided, single submitter. Criteria: Ambry Variant Classification Scheme 2023. Collection method: clinical testing. Allele origin: germline.